The following is an entry in ClinVar:

ClinVar aggregate classification (germline): Likely pathogenic (1 of 4 stars; one submission).

Conditions:
Hypophosphatasia. Also called: Phosphoethanol-aminuria. Identifiers: Orphanet 436, MedGen C0020630, MeSH D007014, MONDO:0018570.

Submission:

JKU Lab, Dept of Paediatrics, Johannes Kepler University
Classification: Likely pathogenic for Hypophosphatasia. Last evaluated: 2026-02-12. Review status: criteria provided, single submitter. Criteria: ACMG Guidelines, 2015. Collection method: curation, in vitro. Allele origin: germline, not applicable. Affected: yes. Functional consequence: decreased enzyme activity.
Comment: This missense variant is not present in GnomAD 4.1 and affects a highly conserved amino acid in the crown domain. The variant is predicted to affect protein function (REVEL score: 0.969). Splice-prediction algorithms predict no effect on splicing. In vitro functional studies showed reduced ALP activity without a dominant negative effect. This variant has been reported in the literature in individuals affected by ALPL-related conditions (PMID:33852075). The results of the functional testing and the applied ACMG criteria can be viewed at an online resource

Literature cited by the submitters: PubMed 33852075.

NM_000478.6(ALPL):c.1187T>C (p.Phe396Ser)

Gene: ALPL (alkaline phosphatase, biomineralization associated; plus strand). Cytogenetic location: 1p36.12.
Variant type: single nucleotide variant.
Coding change: c.1187T>C on transcript NM_000478.6 (MANE Select); coding-DNA position 1187, T replaced by C.
Protein change: p.Phe396Ser; replaces phenylalanine 396 with serine.
Molecular consequence: missense variant.
Genome position (GRCh38, 1-based): chr1:21,575,922, T>C. VCF-style: chr1-21575922-T-C. GRCh37 (hg19) VCF-style: chr1-21902415-T-C.
Other names: c.1022T>C, p.Phe341Ser (NM_001127501.4); c.956T>C, p.Phe319Ser (NM_001177520.3); c.1187T>C, p.Phe396Ser (NM_001369803.2, NM_001369804.2, NM_001369805.2); short protein forms F319S, F341S, F396S.
Identifiers: ClinVar variation 4819289 (VCV004819289.1).